The following is an entry in ClinVar:

ClinVar aggregate classification (germline): Uncertain significance. Review status: criteria provided, multiple submitters, no conflicts (2 of 4 stars). 2 submissions from 2 submitters: Uncertain significance (2). Last evaluated 2025-08-19.

Conditions:
Pulmonary fibrosis and/or bone marrow failure, Telomere-related, 3. Also called: PULMONARY FIBROSIS AND/OR BONE MARROW FAILURE SYNDROME, TELOMERE-RELATED, 3. Identifiers: Orphanet 2032, MedGen C4225346, MONDO:0014613, OMIM 616373.
Dyskeratosis congenita, autosomal recessive 5 (DKCB5). Identifiers: MedGen C3554656, MONDO:0014076, OMIM 615190.
Inborn genetic diseases. Identifiers: MedGen C0950123, MeSH D030342.

Submissions (2):

Ambry Genetics
Classification: Uncertain significance for Inborn genetic diseases. Last evaluated: 2025-08-19. Review status: criteria provided, single submitter. Criteria: Ambry Variant Classification Scheme 2023. Collection method: clinical testing. Allele origin: germline.
Comment: The p.A930P variant (also known as c.2788G>C), located in coding exon 28 of the RTEL1 gene, results from a G to C substitution at nucleotide position 2788. The alanine at codon 930 is replaced by proline, an amino acid with highly similar properties. This amino acid position is conserved. In addition, the in silico prediction for this alteration is inconclusive. Based on the available evidence, the clinical significance of this variant remains unclear.

Labcorp Genetics (formerly Invitae), Labcorp
Classification: Uncertain significance for Dyskeratosis congenita, autosomal recessive 5; Pulmonary fibrosis and/or bone marrow failure, Telomere-related, 3. Last evaluated: 2024-10-16. Review status: criteria provided, single submitter. Criteria: Invitae Variant Classification Sherloc (09022015). Collection method: clinical testing. Allele origin: germline.
Comment: This sequence change replaces alanine, which is neutral and non-polar, with proline, which is neutral and non-polar, at codon 930 of the RTEL1 protein (p.Ala930Pro). This variant is not present in population databases (gnomAD no frequency). This variant has not been reported in the literature in individuals affected with RTEL1-related conditions. ClinVar contains an entry for this variant (Variation ID: 1448385). An algorithm developed to predict the effect of missense changes on protein structure and function (PolyPhen-2) suggests that this variant is likely to be tolerated. In summary, the available evidence is currently insufficient to determine the role of this variant in disease. Therefore, it has been classified as a Variant of Uncertain Significance.

NM_001283009.2(RTEL1):c.2788G>C (p.Ala930Pro)

Genes: RTEL1-TNFRSF6B (RTEL1-TNFRSF6B readthrough (NMD candidate); plus strand), RTEL1 (regulator of telomere elongation helicase 1; plus strand). Cytogenetic location: 20q13.33.
Variant type: single nucleotide variant.
Coding change: c.2788G>C on transcript NM_001283009.2 (MANE Select); coding-DNA position 2788, G replaced by C.
Protein change: p.Ala930Pro; replaces alanine 930 with proline.
Molecular consequence: missense variant. On other transcripts: non-coding transcript variant (1).
Genome position (GRCh38, 1-based): chr20:63,692,940, G>C. VCF-style: chr20-63692940-G-C. GRCh37 (hg19) VCF-style: chr20-62324293-G-C.
Other names: c.2119G>C, p.Ala707Pro (NM_001283010.1); c.2788G>C, p.Ala930Pro (NM_016434.4); c.2860G>C, p.Ala954Pro (NM_032957.5); short protein forms A707P, A930P, A954P.
Identifiers: ClinVar variation 1448385 (VCV001448385.14), dbSNP rs371721039, ClinGen allele CA409683041.